The following is an entry in ClinVar:

NM_005560.6(LAMA5):c.8233G>C (p.Val2745Leu)

Gene: LAMA5 (laminin subunit alpha 5; minus strand). Cytogenetic location: 20q13.33.
Variant type: single nucleotide variant.
Coding change: c.8233G>C on transcript NM_005560.6 (MANE Select); coding-DNA position 8233, G replaced by C.
Protein change: p.Val2745Leu; replaces valine 2745 with leucine.
Molecular consequence: missense variant.
Genome position (GRCh38, 1-based): chr20:62,314,689, C>G on the plus strand (G>C on the coding strand, the complement: LAMA5 is on the minus strand). VCF-style: chr20-62314689-C-G. GRCh37 (hg19) VCF-style: chr20-60889745-C-G.
Other names: short protein forms V2745L.
Identifiers: ClinVar variation 1715958 (VCV001715958.5), dbSNP rs976523974, ClinGen allele CA409548520.

ClinVar aggregate classification (germline): Uncertain significance (1 of 4 stars; one submission).

Submission:

Labcorp Genetics (formerly Invitae), Labcorp
Classification: Uncertain significance. Last evaluated: 2022-08-09. Review status: criteria provided, single submitter. Criteria: Invitae Variant Classification Sherloc (09022015). Collection method: clinical testing. Allele origin: germline.
Comment: In summary, the available evidence is currently insufficient to determine the role of this variant in disease. Therefore, it has been classified as a Variant of Uncertain Significance. Algorithms developed to predict the effect of missense changes on protein structure and function (SIFT, PolyPhen-2, Align-GVGD) all suggest that this variant is likely to be tolerated. This variant has not been reported in the literature in individuals affected with LAMA5-related conditions. This variant is not present in population databases (gnomAD no frequency). This sequence change replaces valine, which is neutral and non-polar, with leucine, which is neutral and non-polar, at codon 2745 of the LAMA5 protein (p.Val2745Leu).